The following is an entry in ClinVar:

NM_182746.3(MCM4):c.1970C>T (p.Ala657Val)

Gene: MCM4 (minichromosome maintenance complex component 4; plus strand). Cytogenetic location: 8q11.21.
Variant type: single nucleotide variant.
Coding change: c.1970C>T on transcript NM_182746.3 (MANE Select); coding-DNA position 1970, C replaced by T.
Protein change: p.Ala657Val; replaces alanine 657 with valine.
Molecular consequence: missense variant.
Genome position (GRCh38, 1-based): chr8:47,972,898, C>T. VCF-style: chr8-47972898-C-T. GRCh37 (hg19) VCF-style: chr8-48885458-C-T.
Other names: c.1970C>T, p.Ala657Val (NM_005914.4); short protein forms A657V.
Identifiers: ClinVar variation 4779931 (VCV004779931.1).

ClinVar aggregate classification (germline): Uncertain significance (1 of 4 stars; one submission).

gnomAD v4.1: 2 of 1,614,178 alleles (0.00012%); highest among the groups gnomAD compares: Middle Eastern, 0.017%; no homozygotes.

Submission:

Labcorp Genetics (formerly Invitae), Labcorp
Classification: Uncertain significance. Last evaluated: 2025-09-15. Review status: criteria provided, single submitter. Criteria: Invitae Variant Classification Sherloc (09022015). Collection method: clinical testing. Allele origin: germline.
Comment: This sequence change replaces alanine, which is neutral and non-polar, with valine, which is neutral and non-polar, at codon 657 of the MCM4 protein (p.Ala657Val). This variant is not present in population databases (gnomAD no frequency). This variant has not been reported in the literature in individuals affected with MCM4-related conditions. Invitae Evidence Modeling of protein sequence and biophysical properties (such as structural, functional, and spatial information, amino acid conservation, physicochemical variation, residue mobility, and thermodynamic stability) indicates that this missense variant is not expected to disrupt MCM4 protein function with a negative predictive value of 80%. In summary, the available evidence is currently insufficient to determine the role of this variant in disease. Therefore, it has been classified as a Variant of Uncertain Significance.